The following is an entry in ClinVar:

ClinVar aggregate classification (germline): Conflicting classifications of pathogenicity. Review status: criteria provided, conflicting classifications (1 of 4 stars). 21 submissions from 17 submitters: Uncertain significance (1); Benign (11); Likely benign (5). 4 of the submissions do not count toward it. Last evaluated 2026-02-04.

Conditions:
Diabetes mellitus, permanent neonatal 2. Also called: KCNJ11-Related Permanent Neonatal Diabetes Mellitus. Identifiers: MedGen C5394296, MONDO:0030087, OMIM 618856.
Hyperinsulinemic hypoglycemia. Also called: Hyperinsulinemia hypoglycemia; Hyperinsulinemic hypoglycemia (disease). Identifiers: Orphanet 443095, MedGen C1864903, MONDO:0005803, HP:0000825.
Maturity-onset diabetes of the young type 13. Also called: MODY, TYPE 13. Identifiers: Orphanet 552, MedGen C4225365, MONDO:0014589, OMIM 616329.
Diabetes mellitus, transient neonatal, 3 (TNDM3). Identifiers: Orphanet 99886, MedGen C1864623, MONDO:0012522, OMIM 610582. Disease mechanism: loss of function.
Hyperinsulinemic hypoglycemia, familial, 2. Also called: HYPERINSULINEMIC HYPOGLYCEMIA, PERSISTENT; HYPERINSULINISM, NEONATAL. Identifiers: Orphanet 276580, Orphanet 276603, MedGen C2931833, MONDO:0011153, OMIM 601820. Disease mechanism: loss of function.
Permanent neonatal diabetes mellitus (PNDM). Identifiers: Orphanet 99885, MedGen C1833104, MONDO:0100164, MONDO:0011643. Disease mechanism: gain of function.
Type 2 diabetes mellitus. Also called: Type II diabetes mellitus. Identifiers: MedGen C0011860, MeSH D003924, MONDO:0005148, OMIM 125853, HP:0005978.

Allele frequency attached by ClinVar (database versions not stated): 1000 Genomes Project 0.01338; 1000 Genomes Project 30x 0.01374; TOPMed 0.01506; gnomAD 0.01521 and 0.01563; ESP Exome Variant Server 0.01532; gnomAD exomes 0.01686 and 0.02161; ExAC 0.01740.

Submissions (21):

Labcorp Genetics (formerly Invitae), Labcorp
Classification: Benign. Last evaluated: 2026-02-04. Review status: criteria provided, single submitter. Criteria: Invitae Variant Classification Sherloc (09022015). Collection method: clinical testing. Allele origin: germline.

ARUP Laboratories, Molecular Genetics and Genomics, ARUP Laboratories
Classification: Benign. Last evaluated: 2025-07-25. Review status: criteria provided, single submitter. Criteria: ARUP Molecular Germline Variant Investigation Process 2024. Collection method: clinical testing. Allele origin: germline.

Blueprint Genetics
Classification: Likely benign. Last evaluated: 2024-11-27. Review status: criteria provided, single submitter. Criteria: ACMG Guidelines, 2015. Collection method: clinical testing. Allele origin: germline.

Athena Diagnostics
Classification: Benign. Last evaluated: 2024-04-02. Review status: criteria provided, single submitter. Criteria: Athena Diagnostics Criteria. Collection method: clinical testing. Allele origin: unknown.

Molecular Genetics, Royal Melbourne Hospital
Classification: Benign for Hyperinsulinemic hypoglycemia. Last evaluated: 2023-05-04. Review status: criteria provided, single submitter. Criteria: ACMG Guidelines, 2015. Collection method: clinical testing. Allele origin: germline. Affected: no.
Comment: European Non-Finnish population allele frequency is 2.25% (rs5216, 4238/251358 alleles, 45 homozygotes in gnomAD v2.1). Based on the classification scheme RMH Modified ACMG/AMP Guidelines v1.5.1, this variant is classified as BENIGN. Following criteria are met: BA1

Pars Genome Lab
Classification: Likely benign for Diabetes mellitus, transient neonatal, 3. Last evaluated: 2021-07-01. Review status: criteria provided, single submitter. Criteria: ACMG Guidelines, 2015. Collection method: clinical testing. Allele origin: germline. Affected: no.

Pars Genome Lab
Classification: Likely benign for Diabetes mellitus, permanent neonatal 2. Last evaluated: 2021-07-01. Review status: criteria provided, single submitter. Criteria: ACMG Guidelines, 2015. Collection method: clinical testing. Allele origin: germline. Affected: no.

Pars Genome Lab
Classification: Likely benign for Hyperinsulinemic hypoglycemia, familial, 2. Last evaluated: 2021-07-01. Review status: criteria provided, single submitter. Criteria: ACMG Guidelines, 2015. Collection method: clinical testing. Allele origin: germline. Affected: no.

Genome-Nilou Lab
Classification: Likely benign for Hyperinsulinemic hypoglycemia, familial, 2. Last evaluated: 2021-05-18. Review status: criteria provided, single submitter. Criteria: ACMG Guidelines, 2015. Collection method: clinical testing. Allele origin: germline. Affected: no.

GeneDx
Classification: Benign. Last evaluated: 2020-11-12. Review status: criteria provided, single submitter. Criteria: GeneDx Variant Classification Process June 2021. Collection method: clinical testing. Allele origin: germline. Affected: yes.
Comment: This variant is associated with the following publications: (PMID: 21765448, 16670688, 14871556, 25972930, 22512215)

Illumina Laboratory Services, Illumina
Classification: Benign for Diabetes mellitus, transient neonatal, 3. Last evaluated: 2018-01-12. Review status: criteria provided, single submitter. Criteria: ICSL Variant Classification Criteria 13 December 2019. Collection method: clinical testing. Allele origin: germline.
Comment: This variant was observed in the ICSL laboratory as part of a predisposition screen in an ostensibly healthy population. It had not been previously curated by ICSL or reported in the Human Gene Mutation Database (HGMD: prior to June 1st, 2018), and was therefore a candidate for classification through an automated scoring system. Utilizing variant allele frequency, disease prevalence and penetrance estimates, and inheritance mode, an automated score was calculated to assess if this variant is too frequent to cause the disease. Based on the score and internal cut-off values, a variant classified as benign is not then subjected to further curation. The score for this variant resulted in a classification of benign for this disease.

Illumina Laboratory Services, Illumina
Classification: Uncertain significance for Hyperinsulinemic hypoglycemia, familial, 2. Last evaluated: 2018-01-12. Review status: criteria provided, single submitter. Criteria: ICSL Variant Classification Criteria 13 December 2019. Collection method: clinical testing. Allele origin: germline.

Illumina Laboratory Services, Illumina
Classification: Benign for Maturity-onset diabetes of the young type 13. Last evaluated: 2018-01-12. Review status: criteria provided, single submitter. Criteria: ICSL Variant Classification Criteria 13 December 2019. Collection method: clinical testing. Allele origin: germline.
Comment: the same text as in the submission from Illumina Laboratory Services, Illumina above.

Eurofins Ntd Llc (ga)
Classification: Benign. Last evaluated: 2016-05-24. Review status: criteria provided, single submitter. Criteria: EGL Classification Definitions 2015. Collection method: clinical testing. Allele origin: germline. Observed: 2 variant alleles, 2 heterozygotes.

Genetic Services Laboratory, University of Chicago
Classification: Benign. Last evaluated: 2013-02-08. Review status: criteria provided, single submitter. Criteria: ACMG Guidelines, 2007. Collection method: clinical testing. Allele origin: germline. Inheritance: Autosomal unknown.

Clinical Genomics, Uppaluri K&H Personalized Medicine Clinic
Classification: Benign for Type 2 diabetes mellitus. Review status: criteria provided, single submitter. Criteria: K&H Uppaluri Personalized Medicine Clinic Variant Classification & Assertion Criteria. Collection method: research. Allele origin: somatic. Inheritance: Autosomal dominant inheritance. Affected: yes.
Comment: Mutations in KCNJ11 gene can cause decreased production and secretion of insulin. This can lead to MODY which may be responsive to oral sulfonylureas. This does not cause any sensitivity towards mild hypoglycemia, an adverse effect of Sulfonylureas treatment. rs5216 is also known to be associated with increased risk of T2DM.

PreventionGenetics, part of Exact Sciences
Classification: Benign. Review status: criteria provided, single submitter. Criteria: ACMG Guidelines, 2015. Collection method: clinical testing. Allele origin: germline.

Natera, Inc.
Classification: Benign for Permanent neonatal diabetes mellitus. Last evaluated: 2020-09-16. Review status: no assertion criteria provided. Collection method: clinical testing. Allele origin: germline. Not counted in ClinVar's aggregate classification.

Genome Diagnostics Laboratory, University Medical Center Utrecht
Classification: Likely benign. Review status: no assertion criteria provided. Collection method: clinical testing. Allele origin: germline. Affected: yes. Study: VKGL Data-share Consensus. Not counted in ClinVar's aggregate classification.

Joint Genome Diagnostic Labs from Nijmegen and Maastricht, Radboudumc and MUMC+
Classification: Benign. Review status: no assertion criteria provided. Collection method: clinical testing. Allele origin: germline. Affected: yes. Study: VKGL Data-share Consensus. Not counted in ClinVar's aggregate classification.

Laboratory of Diagnostic Genome Analysis, Leiden University Medical Center (LUMC)
Classification: Likely benign. Review status: no assertion criteria provided. Collection method: clinical testing. Allele origin: germline. Affected: yes. Study: VKGL Data-share Consensus. Not counted in ClinVar's aggregate classification.

Literature cited by the submitters: PubMed 26590798 (cited by Athena Diagnostics); PubMed 33611546 (cited by Athena Diagnostics); PubMed 16670688 (cited by Athena Diagnostics); PubMed 25972930 (cited by Athena Diagnostics); PubMed 22512215 (cited by Athena Diagnostics); PubMed 14871556 (cited by Athena Diagnostics); PubMed 28352326 (cited by Clinical Genomics, Uppaluri K&H Personalized Medicine Clinic).

NM_000525.4(KCNJ11):c.801C>G (p.Leu267=)

Gene: KCNJ11 (potassium inwardly rectifying channel subfamily J member 11; minus strand). Cytogenetic location: 11p15.1.
Variant type: single nucleotide variant.
Coding change: c.801C>G on transcript NM_000525.4 (MANE Select); coding-DNA position 801, C replaced by G.
Protein change: p.Leu267=; no amino-acid change (leucine 267 retained).
Molecular consequence: synonymous variant.
Genome position (GRCh38, 1-based): chr11:17,387,291, G>C on the plus strand (C>G on the coding strand, the complement: KCNJ11 is on the minus strand). VCF-style: chr11-17387291-G-C. GRCh37 (hg19) VCF-style: chr11-17408838-G-C.
Other names: c.540C>G, p.Leu180= (NM_001166290.2, NM_001377296.1, NM_001377297.1).
Identifiers: ClinVar variation 158684 (VCV000158684.38), dbSNP rs5216, ClinGen allele CA172344.
Genomic context (GRCh38, chr11:17,387,291, plus strand): 5'-CAGGATGACGATGATCTCGAGGTCCTGGTGGTGGTGCAGGTCGCTGGGTGCCAGGTCGTA[G>C]AGTGGGCTGTTGGCATCAATGACATGGTAGATGATCAGCGGGGCCACCAGGAAGATGCTG-3'
Protein context (NP_000516.3, residues 257-277): IYHVIDANSP[Leu267=]YDLAPSDLHH